The following is an entry in ClinVar:

ClinVar aggregate classification (germline): Pathogenic (1 of 4 stars; one submission).

Conditions:
Hereditary spastic paraplegia 11. Also called: SPASTIC PARAPLEGIA, AUTOSOMAL RECESSIVE, COMPLICATED, WITH THIN CORPUS CALLOSUM; SPASTIC PARAPLEGIA, AUTOSOMAL RECESSIVE, WITH MENTAL IMPAIRMENT AND THIN CORPUS CALLOSUM; Spastic paraplegia, mental retardation and thin corpus callosum; Spastic Paraplegia 11; Nakamura Osame syndrome; Autosomal recessive hereditary spastic paraplegia, mental impairment, and thin corpus callosum. Identifiers: Orphanet 2822, MedGen C1858479, MONDO:0011445, OMIM 604360.

Submission:

Labcorp Genetics (formerly Invitae), Labcorp
Classification: Pathogenic for Hereditary spastic paraplegia 11. Last evaluated: 2023-01-17. Review status: criteria provided, single submitter. Criteria: Invitae Variant Classification Sherloc (09022015). Collection method: clinical testing. Allele origin: germline.
Comment: For these reasons, this variant has been classified as Pathogenic. This variant has not been reported in the literature in individuals affected with SPG11-related conditions. This variant is not present in population databases (gnomAD no frequency). This sequence change creates a premature translational stop signal (p.Tyr995Leufs*16) in the SPG11 gene. It is expected to result in an absent or disrupted protein product. Loss-of-function variants in SPG11 are known to be pathogenic (PMID: 19105190, 20110243, 22154821, 26556829).

Literature cited by the submitters: PubMed 19105190; PubMed 20110243; PubMed 22154821; PubMed 26556829.

NM_025137.4(SPG11):c.2983dup (p.Tyr995fs)

Gene: SPG11 (SPG11 vesicle trafficking associated, spatacsin; minus strand). Cytogenetic location: 15q21.1.
Variant type: Duplication.
Coding change: c.2983dup on transcript NM_025137.4 (MANE Select); coding-DNA position 2983, one base duplicated (T; older notation c.2983dupT).
Protein change: p.Tyr995fs; shifts the reading frame from tyrosine 995.
Molecular consequence: frameshift variant.
Genome position (GRCh38, 1-based): chr15:44,615,418, A duplicated on the plus strand (T on the coding strand, the reverse complement: SPG11 is on the minus strand). VCF-style (leftmost placement, unchanged base first): chr15-44615417-T-TA. GRCh37 (hg19) VCF-style: chr15-44907615-T-TA.
Other names: c.2983dup, p.Tyr995fs (NM_001160227.2, NM_001411132.1); short protein forms Y995fs.
Identifiers: ClinVar variation 2827196 (VCV002827196.3), dbSNP rs2505513004, ClinGen allele CA2739278157.